The following is an entry in ClinVar:

NM_017570.5(OPLAH):c.2048G>T (p.Gly683Val)

Gene: OPLAH (5-oxoprolinase, ATP-hydrolysing; minus strand). Cytogenetic location: 8q24.3.
Variant type: single nucleotide variant.
Coding change: c.2048G>T on transcript NM_017570.5 (MANE Select); coding-DNA position 2048, G replaced by T.
Protein change: p.Gly683Val; replaces glycine 683 with valine.
Molecular consequence: missense variant.
Genome position (GRCh38, 1-based): chr8:144,056,195, C>A on the plus strand (G>T on the coding strand, the complement: OPLAH is on the minus strand). VCF-style: chr8-144056195-C-A. GRCh37 (hg19) VCF-style: chr8-145111098-C-A.
Other names: c.2048G>T (NM_017570.4); short protein forms G683V.
Identifiers: ClinVar variation 1166182 (VCV001166182.9), dbSNP rs559740801, ClinGen allele CA4931608.

ClinVar aggregate classification (germline): Benign. Review status: criteria provided, single submitter (1 of 4 stars). 2 submissions from 2 submitters: Benign (1). 1 of the submissions does not count toward it. Last evaluated 2025-10-17.

Conditions:
OPLAH-related disorder. Also called: OPLAH-related condition.
5-Oxoprolinase deficiency (OPLAHD). Also called: 5-OXOPROLINURIA DUE TO 5-OXOPROLINASE DEFICIENCY. Identifiers: Orphanet 33572, MedGen C0268525, MONDO:0009825, OMIM 260005, HP:0040142.

Allele frequency attached by ClinVar (database versions not stated): gnomAD exomes 0.00015 and 0.00059; gnomAD 0.00024 and 0.00029; TOPMed 0.00036; ExAC 0.00061; 1000 Genomes Project 30x 0.00172; 1000 Genomes Project 0.00180.

Submissions (2):

Labcorp Genetics (formerly Invitae), Labcorp
Classification: Benign for 5-Oxoprolinase deficiency. Last evaluated: 2025-10-17. Review status: criteria provided, single submitter. Criteria: Invitae Variant Classification Sherloc (09022015). Collection method: clinical testing. Allele origin: germline.

PreventionGenetics, part of Exact Sciences
Classification: Likely benign for OPLAH-related condition. Last evaluated: 2020-09-02. Review status: no assertion criteria provided. Collection method: clinical testing. Allele origin: germline. Not counted in ClinVar's aggregate classification.
Comment: This variant is classified as likely benign based on ACMG/AMP sequence variant interpretation guidelines (Richards et al. 2015 PMID: 25741868, with internal and published modifications).